The following is an entry in ClinVar:

NM_005732.4(RAD50):c.1704del (p.Tyr569fs)

Gene: RAD50 (RAD50 double strand break repair protein; plus strand). Cytogenetic location: 5q31.1.
Variant type: Deletion.
Coding change: c.1704del on transcript NM_005732.4 (MANE Select); coding-DNA position 1704, one base deleted (A; older notation c.1704delA).
Protein change: p.Tyr569fs; shifts the reading frame from tyrosine 569.
Molecular consequence: frameshift variant.
Genome position (GRCh38, 1-based): chr5:132,591,945, A deleted. VCF-style (leftmost placement, unchanged base first): chr5-132591944-GA-G. GRCh37 (hg19) VCF-style: chr5-131927636-GA-G.
Other names: c.1704del (NM_005732.3); short protein forms Y569fs.
Identifiers: ClinVar variation 658126 (VCV000658126.13), dbSNP rs1580994859, ClinGen allele CA915943553.

ClinVar aggregate classification (germline): Pathogenic. Review status: criteria provided, multiple submitters, no conflicts (2 of 4 stars). 2 submissions from 2 submitters: Pathogenic (2). Last evaluated 2023-09-08.

Conditions:
Hereditary cancer-predisposing syndrome. Also called: Hereditary neoplastic syndrome; Neoplastic Syndromes, Hereditary; Hereditary Cancer Syndrome; Tumor predisposition. Identifiers: Orphanet 140162, MedGen C0027672, MeSH D009386, MONDO:0015356.

Allele frequency attached by ClinVar (database versions not stated): gnomAD exomes below 0.00001.

Submissions (2):

Labcorp Genetics (formerly Invitae), Labcorp
Classification: Pathogenic for Hereditary cancer-predisposing syndrome. Last evaluated: 2023-09-08. Review status: criteria provided, single submitter. Criteria: Invitae Variant Classification Sherloc (09022015). Collection method: clinical testing. Allele origin: germline.
Comment: For these reasons, this variant has been classified as Pathogenic. RNA analysis performed to evaluate the impact of this premature translational stop signal on mRNA splicing indicates it does not significantly alter splicing (Invitae). ClinVar contains an entry for this variant (Variation ID: 658126). This variant has not been reported in the literature in individuals affected with RAD50-related conditions. This variant is not present in population databases (gnomAD no frequency). This sequence change creates a premature translational stop signal (p.Tyr569Ilefs*29) in the RAD50 gene. It is expected to result in an absent or disrupted protein product. Loss-of-function variants in RAD50 are known to be pathogenic (PMID: 19409520).

Ambry Genetics
Classification: Pathogenic for Hereditary cancer-predisposing syndrome. Last evaluated: 2021-10-04. Review status: criteria provided, single submitter. Criteria: Ambry Variant Classification Scheme 2023. Collection method: clinical testing. Allele origin: germline.
Comment: The c.1704delA pathogenic mutation, located in coding exon 11 of the RAD50 gene, results from a deletion of one nucleotide at nucleotide position 1704, causing a translational frameshift with a predicted alternate stop codon (p.Y569Ifs*29). This alteration is expected to result in loss of function by premature protein truncation or nonsense-mediated mRNA decay. As such, this alteration is interpreted as a disease-causing mutation.

Literature cited by the submitters: PubMed 19409520 (cited by Labcorp Genetics (formerly Invitae), Labcorp).